The following is an entry in ClinVar:

NM_001270508.2(TNFAIP3):c.1757C>T (p.Ala586Val)

Gene: TNFAIP3 (TNF alpha induced protein 3; plus strand). Cytogenetic location: 6q23.3.
Variant type: single nucleotide variant.
Coding change: c.1757C>T on transcript NM_001270508.2 (MANE Select); coding-DNA position 1757, C replaced by T.
Protein change: p.Ala586Val; replaces alanine 586 with valine.
Molecular consequence: missense variant.
Genome position (GRCh38, 1-based): chr6:137,879,202, C>T. VCF-style: chr6-137879202-C-T. GRCh37 (hg19) VCF-style: chr6-138200339-C-T.
Other names: c.1757C>T, p.Ala586Val (NM_001270507.2, NM_006290.4); c.1757C>T (NM_006290.2); short protein forms A586V.
Identifiers: ClinVar variation 1675138 (VCV001675138.3), dbSNP rs756832433, ClinGen allele CA4019698.

ClinVar aggregate classification (germline): Uncertain significance. Review status: criteria provided, multiple submitters, no conflicts (2 of 4 stars). 2 submissions from 2 submitters: Uncertain significance (2). Last evaluated 2023-06-07.

Conditions:
Autoinflammatory syndrome, familial, Behcet-like. Identifiers: MedGen CN234876, MONDO:0031384.
Inborn genetic diseases. Identifiers: MedGen C0950123, MeSH D030342.

Allele frequency attached by ClinVar (database versions not stated): gnomAD 0.00001; ExAC 0.00002; gnomAD exomes 0.00002.
gnomAD v4.1: 22 of 1,614,070 alleles (0.0014%); highest among the groups gnomAD compares: South Asian, 0.024%; 1 homozygote.

Submissions (2):

Ambry Genetics
Classification: Uncertain significance for Inborn genetic diseases. Last evaluated: 2023-06-07. Review status: criteria provided, single submitter. Criteria: Ambry Variant Classification Scheme 2023. Collection method: clinical testing. Allele origin: germline.

Center for Genomics, Ann and Robert H. Lurie Children's Hospital of Chicago
Classification: Uncertain significance for Autoinflammatory syndrome, familial, Behcet-like 1. Last evaluated: 2021-08-05. Review status: criteria provided, single submitter. Criteria: ACMG Guidelines, 2015. Collection method: clinical testing. Allele origin: germline.
Comment: TNFAIP3 NM_006290.3 exon 7 p.Ala586Val (c.1757C>T): This variant has not been reported in the literature but is present in 0.04% (2/4832) of South Asian alleles in the Genome Aggregation Database. This variant amino acid Valine (Val) is present in several species including multiple mammals and is not well conserved among evolutionarily distant species; this suggests that this variant may not impact the protein. Additional computational prediction tools do not suggest an impact. In summary, data on this variant is insufficient for disease classification. Therefore, the clinical significance of this variant is uncertain.